The following is an entry in ClinVar:

ClinVar aggregate classification (germline): Pathogenic (1 of 4 stars; one submission).

Conditions:
Cohen syndrome (COH1). Also called: PEPPER SYNDROME; Cutis verticis gyrata, retinitis pigmentosa, and sensorineural deafness. Identifiers: Orphanet 193, MedGen C0265223, MONDO:0008999, OMIM 216550.

Submission:

Labcorp Genetics (formerly Invitae), Labcorp
Classification: Pathogenic for Cohen syndrome. Last evaluated: 2024-01-16. Review status: criteria provided, single submitter. Criteria: Invitae Variant Classification Sherloc (09022015). Collection method: clinical testing. Allele origin: germline.
Comment: This variant is a gross deletion of the genomic region encompassing exon(s) 9-12 of the VPS13B gene. This deletion is out-of-frame, and is expected to create a premature termination codon and result in an absent or disrupted protein product. Loss-of-function variants in VPS13B are known to be pathogenic (PMID: 15141358, 16648375, 20461111). This variant has not been reported in the literature in individuals affected with VPS13B-related conditions. For these reasons, this variant has been classified as Pathogenic.

Literature cited by the submitters: PubMed 15141358; PubMed 16648375; PubMed 20461111.

NC_000008.11:g.(?_99134612)_(99136772_?)del

Gene: VPS13B (vacuolar protein sorting 13 homolog B; plus strand). Cytogenetic location: 8q22.2.
Variant type: Deletion.
Identifiers: ClinVar variation 583567 (VCV000583567.6).